The following continues an entry in ClinVar:

NM_007294.4(BRCA1):c.5123C>T (p.Ala1708Val)

Gene: BRCA1. ClinVar aggregate classification (germline): Conflicting classifications of pathogenicity. Uncertain significance (15); Likely benign (1).

Submissions 15 to 25 of 25:

Genetic Services Laboratory, University of Chicago
Classification: Uncertain significance. Last evaluated: 2020-06-09. Review status: criteria provided, single submitter. Criteria: ACMG Guidelines, 2015. Collection method: clinical testing. Allele origin: germline. Affected: no.
Comment: DNA sequence analysis of the BRCA1 gene demonstrated a sequence change, c.5123C>T, in exon 17 that results in an amino acid change, p.Ala1708Val. This sequence change has been described in patients with a personal and/or family history of breast cancer, as well as in control populations undergoing exome sequencing (PMIDs: 25637381, 24055113). PMID 20516115 demonstrated a severe folding defect and compromised binding activity and binding specificity associated with the p.Ala1708Val change. However, PMID 18036263 demonstrated an intermediate effect on transcriptional transactivation associated with the p.Ala1708Val change, more suggestive of a low or moderate risk allele. This sequence change has been described in the gnomAD database with a low population frequency of 0.03% (dbSNP rs28897696). The p.Ala1708Val change affects a highly conserved amino acid residue located in a domain of the BRCA1 protein that is known to be functional. The p.Ala1708Val substitution appears to be deleterious using several in-silico pathogenicity prediction tools (SIFT, PolyPhen2, Align GVGD, REVEL). Due to these contrasting evidences and the lack of functional studies, the clinical significance of the p.Ala1708Val change remains unknown at this time.

Institute of Human Genetics, University of Leipzig Medical Center
Classification: Uncertain significance for Breast-ovarian cancer, familial, susceptibility to, 1. Last evaluated: 2018-07-09. Review status: criteria provided, single submitter. Criteria: ACMG Guidelines, 2015. Collection method: clinical testing. Allele origin: germline. Affected: yes.

PreventionGenetics, part of Exact Sciences
Classification: Uncertain significance for BRCA1-related condition. Last evaluated: 2024-03-27. Review status: no assertion criteria provided. Collection method: clinical testing. Allele origin: germline. Not counted in ClinVar's aggregate classification.
Comment: The BRCA1 c.5123C>T variant is predicted to result in the amino acid substitution p.Ala1708Val. This variant has been reported in individuals with a personal and/or family history of breast cancer and/or ovarian cancer (Chenevix-Trench et al. 2006. PubMed ID: 16489001; Lovelock et al. 2007. PubMed ID: 18036263; Fackenthal et al. 2012. PubMed ID: 22034289, Jarhelle et al. 2017. PubMed ID: 27495310), and an individual with renal cancer (Lu et al. 2015. PubMed ID: 26689913). It has also been detected as an incidental finding in exome cohorts and interpreted as uncertain significance (Dorschner et al. 2013. PubMed ID: 24055113; Amendola. 2015. PubMed ID: 25637381). The results of functional studies of this variant are conflicting (Lovelock et al. 2007. PubMed ID: 18036263; Lee et al. 2010. PubMed ID: 20516115; Lu et al. 2015. PubMed ID: 26689913. Findlay et al. 2018. PubMed ID: 30209399). This variant is reported in 0.028% of alleles in individuals of African descent in gnomAD and interpreted as uncertain significance in ClinVar. At this time, the clinical significance of this variant is uncertain due to the absence of conclusive functional and genetic evidence.

BRCAlab, Lund University
Classification: Uncertain significance for Breast-ovarian cancer, familial, susceptibility to, 1. Last evaluated: 2020-03-02. Review status: no assertion criteria provided. Collection method: clinical testing. Allele origin: germline. Affected: yes. Not counted in ClinVar's aggregate classification.

Department of Medical Genetics, University Hospital of North Norway
Classification: Uncertain significance for Breast-ovarian cancer, familial, susceptibility to, 1. Last evaluated: 2016-05-01. Review status: no assertion criteria provided. Collection method: clinical testing. Allele origin: germline. Affected: no. Observed: 1 variant allele. Not counted in ClinVar's aggregate classification.

CSER _CC_NCGL, University of Washington
Classification: Uncertain significance for Breast and/or ovarian cancer. Last evaluated: 2014-06-01. Review status: no assertion criteria provided. Collection method: research. Allele origin: germline. Inheritance: Autosomal dominant inheritance. Study: ESP 6500 variant annotation. Not counted in ClinVar's aggregate classification.
Comment: Variants classified for the Actionable exomic incidental findings in 6503 participants: challenges of variant classification manuscript

Research Molecular Genetics Laboratory, Women's College Hospital, University of Toronto
Classification: Uncertain significance. Last evaluated: 2014-01-31. Review status: no assertion criteria provided. Collection method: research. Allele origin: germline. Affected: yes. Study: The Canadian Open Genetics Repository (COGR). Not counted in ClinVar's aggregate classification.

Sharing Clinical Reports Project (SCRP)
Classification: Uncertain significance for Breast-ovarian cancer, familial 1. Last evaluated: 2012-05-01. Review status: no assertion criteria provided. Collection method: clinical testing. Allele origin: germline. Not counted in ClinVar's aggregate classification.

Brotman Baty Institute, University of Washington
No classification provided (evidence only). Condition: Breast-ovarian cancer, familial 1. Review status: no classification provided. Collection method: in vitro. Allele origin: not applicable. Functional consequence: functionally_normal. Not counted in ClinVar's aggregate classification.
ClinVar note: "not provided" was previously submitted as the classification for the variant. However, the classification appeared to be based only on an observation of functional data so it was converted to no classification on 2025-07-30.

Center for Precision Medicine, Meizhou People's Hospital
Classification: Uncertain significance for Familial cancer of breast. Review status: no assertion criteria provided. Collection method: literature only. Allele origin: germline. Affected: yes. Not counted in ClinVar's aggregate classification.

Department of Pathology and Laboratory Medicine, Sinai Health System
Classification: Uncertain significance for Malignant tumor of breast. Review status: no assertion criteria provided. Collection method: clinical testing. Allele origin: unknown. Affected: yes. Study: The Canadian Open Genetics Repository (COGR). Not counted in ClinVar's aggregate classification.
Comment: The BRCA1 p.Ala1708Val variant was identified in 1 of 2000 proband chromosomes (frequency: 0.001) from individuals or families with breast cancer, and was not identified in 180 control chromosomes from healthy individuals (Dorschner 2013); however, an insufficient number of controls were included in these studies to determine the frequency of this variant in the general population. The variant was also identified in dbSNP (ID: rs28897696) â€šÃ„ÃºWith Pathogenic, Uncertain significance alleleâ€šÃ„Ã¹, NHLBI Exome Sequencing Project (Exome Variant Server), Exome Aggregation Consortium (ExAC) database, HGMD, LOVD, the ClinVar database (classified as a uncertain significance variant by the Sharing Clinical Reports Project, derived from Myriad reports; Ambry Genetics; CSER_CC_NCGL and GeneDX), GeneInsight VariantWire database(1X, classified as â€šÃ„Ãºunknown significanceâ€šÃ„Ã¹ by a clinical laboratory) and UMD (2X as a unknown significance variant).This variant was identified in the HAPMAP-JPT in 1 of 168 chromosomes (frequency: 0.006), Exome Variant Server project in 3 of 13006 European American/African American alleles, the Exome Aggregation Consortium (ExAC) database (released Oct 20th, 2014) in 4 of 10284 chromosomes (frequency: 0.0004) from a population of African individuals, although this low number of observations and low frequency is not substantive enough to determine the prevalence of the variant in the general population and its relationship to disease. The p.Ala1708 residue is conserved across mammals and other organisms, and computational analyses (PolyPhen-2, SIFT, AlignGVGD, BLOSUM, MutationTaster) suggest that the p.Ala1708 variant may impact the protein. However, this information is not predictive enough to assume pathogenicity. Functional studies by Chenevix-Trench (2006) and Lee (2010) characterized the variant as unclassified with odds of 41:1 in favor of causality with strong functional effect. In addition, in the study by Lovelock (2007) this variant displayed an intermediate transcriptional transactivation activity and a normal foci formation response in response to DNA damage but induced centrosome amplification. The results of this study also raise the possibility that variant may be associated with a low or moderate risk of cancer. In summary, based on the above information, the clinical significance of this variant cannot be determined with certainty at this time. This variant is classified as a variant of unknown significance.

Literature cited by the submitters: PubMed 16489001 (cited by 6 submitters); PubMed 18036263 (cited by 7 submitters); PubMed 22034289 (cited by 7 submitters); PubMed 26287763 (cited by 6 submitters); PubMed 26689913 (cited by 6 submitters); PubMed 27495310 (cited by 8 submitters); PubMed 30209399 (cited by 6 submitters); PubMed 20516115 (cited by 7 submitters); PubMed 1157798 (cited by Labcorp Genetics (formerly Invitae), Labcorp); PubMed 11802208 (cited by Labcorp Genetics (formerly Invitae), Labcorp and Women's Health and Genetics/Laboratory Corporation of America, LabCorp); PubMed 15923272 (cited by Labcorp Genetics (formerly Invitae), Labcorp); PubMed 19404736 (cited by Labcorp Genetics (formerly Invitae), Labcorp and Ambry Genetics); PubMed 23867111 (cited by Labcorp Genetics (formerly Invitae), Labcorp); PubMed 21702907 (cited by Women's Health and Genetics/Laboratory Corporation of America, LabCorp and Quest Diagnostics Nichols Institute San Juan Capistrano); PubMed 24055113 (cited by 5 submitters); PubMed 15744030 (cited by 4 submitters); PubMed 17403394 (cited by 4 submitters); PubMed 22889855 (cited by Women's Health and Genetics/Laboratory Corporation of America, LabCorp and Quest Diagnostics Nichols Institute San Juan Capistrano); PubMed 12161611 (cited by Women's Health and Genetics/Laboratory Corporation of America, LabCorp and Quest Diagnostics Nichols Institute San Juan Capistrano); PubMed 25637381 (cited by 6 submitters); PubMed 29625052 (cited by Women's Health and Genetics/Laboratory Corporation of America, LabCorp and Quest Diagnostics Nichols Institute San Juan Capistrano); PubMed 30257991 (cited by Women's Health and Genetics/Laboratory Corporation of America, LabCorp and Quest Diagnostics Nichols Institute San Juan Capistrano); PubMed 30458859 (cited by 6 submitters); PubMed 30263132 (cited by 3 submitters); PubMed 28781887 (cited by Women's Health and Genetics/Laboratory Corporation of America, LabCorp and Sema4); PubMed 30765603 (cited by 4 submitters); PubMed 30678073 (cited by Women's Health and Genetics/Laboratory Corporation of America, LabCorp); PubMed 35918668 (cited by Women's Health and Genetics/Laboratory Corporation of America, LabCorp); PubMed 36451132 (cited by Women's Health and Genetics/Laboratory Corporation of America, LabCorp); PubMed 37085799 (cited by Women's Health and Genetics/Laboratory Corporation of America, LabCorp); PubMed 37719058 (cited by Women's Health and Genetics/Laboratory Corporation of America, LabCorp); PubMed 28024868 (cited by Ambry Genetics and Quest Diagnostics Nichols Institute San Juan Capistrano); PubMed 39142283 (cited by Lupski Lab, Baylor-Hopkins CMG, Baylor College of Medicine); PubMed 34793697 (cited by Lupski Lab, Baylor-Hopkins CMG, Baylor College of Medicine); DOI 10.1101/2024.04.11.24305690 (cited by Lupski Lab, Baylor-Hopkins CMG, Baylor College of Medicine).